The following is an entry in ClinVar:

ClinVar aggregate classification (germline): Uncertain significance (1 of 4 stars; one submission).

Conditions:
Charcot-Marie-Tooth disease type 2. Also called: Charcot-Marie-Tooth type 2. Identifiers: Orphanet 64746, MedGen C0270914, MONDO:0018993.

Allele frequency attached by ClinVar (database versions not stated): gnomAD exomes below 0.00001.
gnomAD v4.1: 7 of 1,613,740 alleles (0.00043%); highest among the groups gnomAD compares: African/African-American, 0.0013%; no homozygotes.

Submission:

Labcorp Genetics (formerly Invitae), Labcorp
Classification: Uncertain significance for Charcot-Marie-Tooth disease type 2. Last evaluated: 2024-04-16. Review status: criteria provided, single submitter. Criteria: Invitae Variant Classification Sherloc (09022015). Collection method: clinical testing. Allele origin: germline.
Comment: This sequence change replaces isoleucine, which is neutral and non-polar, with methionine, which is neutral and non-polar, at codon 795 of the AARS protein (p.Ile795Met). This variant is present in population databases (no rsID available, gnomAD 0.007%). This variant has not been reported in the literature in individuals affected with AARS-related conditions. ClinVar contains an entry for this variant (Variation ID: 1682134). Advanced modeling of protein sequence and biophysical properties (such as structural, functional, and spatial information, amino acid conservation, physicochemical variation, residue mobility, and thermodynamic stability) performed at Invitae indicates that this missense variant is not expected to disrupt AARS protein function with a negative predictive value of 95%. In summary, the available evidence is currently insufficient to determine the role of this variant in disease. Therefore, it has been classified as a Variant of Uncertain Significance.

NM_001605.3(AARS1):c.2385C>G (p.Ile795Met)

Gene: AARS1 (alanyl-tRNA synthetase 1; minus strand). Cytogenetic location: 16q22.1.
Variant type: single nucleotide variant.
Coding change: c.2385C>G on transcript NM_001605.3 (MANE Select); coding-DNA position 2385, C replaced by G.
Protein change: p.Ile795Met; replaces isoleucine 795 with methionine.
Molecular consequence: missense variant.
Genome position (GRCh38, 1-based): chr16:70,254,636, G>C on the plus strand (C>G on the coding strand, the complement: AARS1 is on the minus strand). VCF-style: chr16-70254636-G-C. GRCh37 (hg19) VCF-style: chr16-70288539-G-C.
Other names: short protein forms I795M.
Identifiers: ClinVar variation 1682134 (VCV001682134.6), dbSNP rs1283711323, ClinGen allele CA396555624.
Genomic context (GRCh38, chr16:70,254,636, plus strand): 5'-TCATGCACCAGGCCCTGAGGACGGAGGGAGGGAAGCCGCCCCTACCTCTCCAAGGTCAGC[G>C]ATCTCCCTCTGCACATCCTTGTTTGGAGCAGTCTGAGCCTTCACTTTGGCTTCCATGACA-3'
Protein context (NP_001596.2, residues 785-805): TAPNKDVQRE[Ile795Met]ADLGEALATA